The following is an entry in ClinVar:

NM_006901.4(MYO9A):c.1462T>C (p.Leu488=)

Gene: MYO9A (myosin IXA; minus strand). Cytogenetic location: 15q23.
Variant type: single nucleotide variant.
Coding change: c.1462T>C on transcript NM_006901.4 (MANE Select); coding-DNA position 1462, T replaced by C.
Protein change: p.Leu488=; no amino-acid change (leucine 488 retained).
Molecular consequence: synonymous variant.
Genome position (GRCh38, 1-based): chr15:71,999,859, A>G on the plus strand (T>C on the coding strand, the complement: MYO9A is on the minus strand). VCF-style: chr15-71999859-A-G. GRCh37 (hg19) VCF-style: chr15-72292200-A-G.
Identifiers: ClinVar variation 2645510 (VCV002645510.24), dbSNP rs371729550, ClinGen allele CA7642203.

ClinVar aggregate classification (germline): Likely benign (1 of 4 stars; one submission).

Allele frequency attached by ClinVar (database versions not stated): ExAC 0.00005; TOPMed 0.00006; gnomAD 0.00007; ESP Exome Variant Server 0.00008; gnomAD exomes 0.00009.
gnomAD v4.1: 139 of 1,611,224 alleles (0.0086%); highest among the groups gnomAD compares: Non-Finnish European, 0.012%; no homozygotes.

Submission:

CeGaT Center for Human Genetics Tuebingen
Classification: Likely benign. Last evaluated: 2023-08-01. Review status: criteria provided, single submitter. Criteria: CeGaT Center For Human Genetics Tuebingen Variant Classification Criteria Version 2. Collection method: clinical testing. Allele origin: germline. Affected: yes. Observed: 1 variant allele.
Comment: MYO9A: BP4, BP7